The following is an entry in ClinVar:

NM_004304.5(ALK):c.2779G>C (p.Gly927Arg)

Gene: ALK (ALK receptor tyrosine kinase; minus strand). Cytogenetic location: 2p23.2.
Variant type: single nucleotide variant.
Coding change: c.2779G>C on transcript NM_004304.5 (MANE Select); coding-DNA position 2779, G replaced by C.
Protein change: p.Gly927Arg; replaces glycine 927 with arginine.
Molecular consequence: missense variant.
Genome position (GRCh38, 1-based): chr2:29,228,920, C>G on the plus strand (G>C on the coding strand, the complement: ALK is on the minus strand). VCF-style: chr2-29228920-C-G. GRCh37 (hg19) VCF-style: chr2-29451786-C-G.
Other names: short protein forms G927R.
Identifiers: ClinVar variation 3524675 (VCV003524675.1).
Genomic context (GRCh38, chr2:29,228,920, plus strand): 5'-ACCTTGAACACGAATCATCTTTACCTATATATCCTCCGCCTCCTCCACCTGAGGAGCACC[C>G]CCCTCCACCCCCTCCGAAACCCCCTCTTGTCTCCCACCCCCACTTCTTCATGGCCTGGGG-3'
Protein context (NP_004295.2, residues 917-937): TRGGFGGGGG[Gly927Arg]CSSGGGGGGY

ClinVar aggregate classification (germline): Uncertain significance (1 of 4 stars; one submission).

Conditions:
Hereditary cancer-predisposing syndrome. Also called: Hereditary Cancer Syndrome; Hereditary neoplastic syndrome; Tumor predisposition; Neoplastic Syndromes, Hereditary. Identifiers: Orphanet 140162, MedGen C0027672, MeSH D009386, MONDO:0015356.

Submission:

Ambry Genetics
Classification: Uncertain significance for Hereditary cancer-predisposing syndrome. Last evaluated: 2024-09-16. Review status: criteria provided, single submitter. Criteria: Ambry Variant Classification Scheme 2023. Collection method: clinical testing. Allele origin: germline.
Comment: The p.G927R variant (also known as c.2779G>C), located in coding exon 16 of the ALK gene, results from a G to C substitution at nucleotide position 2779. The glycine at codon 927 is replaced by arginine, an amino acid with dissimilar properties. This amino acid position is conserved. In addition, the in silico prediction for this alteration is inconclusive. Based on the available evidence, the clinical significance of this variant remains unclear.